The following is an entry in ClinVar:

ClinVar aggregate classification (germline): Uncertain significance (1 of 4 stars; one submission).

gnomAD v4.1: 1 of 1,353,142 alleles (0.000074%); highest among the groups gnomAD compares: Non-Finnish European, 0.0001%; no homozygotes.

Submission:

Dasa
Classification: Uncertain significance. Last evaluated: 2025-03-05. Review status: criteria provided, single submitter. Criteria: DASA Assertion Criteria. Collection method: clinical testing. Allele origin: germline.
Comment: NM_022489.4(INF2):c.1478C>G (p.Pro493Arg) is a missense variant that results in the substitution of proline with arginine. This variant is rare in population databases. Computational prediction algorithms are consistent with a benign effect. The currently available literature and clinical evidence are not sufficient to establish a definitive association between this variant and the reported condition. Therefore, this variant is classified as a variant of uncertain significance.

NM_022489.4(INF2):c.1478C>G (p.Pro493Arg)

Gene: INF2 (inverted formin 2; plus strand). Cytogenetic location: 14q32.33.
Variant type: single nucleotide variant.
Coding change: c.1478C>G on transcript NM_022489.4 (MANE Select); coding-DNA position 1478, C replaced by G.
Protein change: p.Pro493Arg; replaces proline 493 with arginine.
Molecular consequence: missense variant. On other transcripts: non-coding transcript variant (1).
Genome position (GRCh38, 1-based): chr14:104,707,745, C>G. VCF-style: chr14-104707745-C-G. GRCh37 (hg19) VCF-style: chr14-105174082-C-G.
Other names: c.1478C>G, p.Pro493Arg (NM_001031714.4, NM_001426862.1, NM_001426863.1 and 2 more transcripts); short protein forms P493R.
Identifiers: ClinVar variation 4882971 (VCV004882971.2).
Genomic context (GRCh38, chr14:104,707,745, plus strand): 5'-CACCTCCTCTACCACCACCCCTGCCAGGCTCCTGTGAGTTCCTGCCCCCACCACCTCCAC[C>G]ACTCCCGGGCTTGGGATGCCCGCCCCCACCCCCACCCCTGCTGCCTGGTATGGGCTGGGG-3'
Protein context (NP_071934.3, residues 483-503): SCEFLPPPPP[Pro493Arg]LPGLGCPPPP